The following is an entry in ClinVar:

ClinVar aggregate classification (germline): Pathogenic (1 of 4 stars; one submission).

Conditions:
Primary ciliary dyskinesia. Also called: Ciliary dyskinesia. Identifiers: Orphanet 244, MedGen C0008780, MONDO:0016575, HP:0012265.

Allele frequency attached by ClinVar (database versions not stated): gnomAD exomes 0.00001; ExAC 0.00002.
gnomAD v4.1: 7 of 1,584,812 alleles (0.00044%); highest among the groups gnomAD compares: Non-Finnish European, 0.0006%; no homozygotes.

Submission:

Labcorp Genetics (formerly Invitae), Labcorp
Classification: Pathogenic for Primary ciliary dyskinesia. Last evaluated: 2021-04-05. Review status: criteria provided, single submitter. Criteria: Invitae Variant Classification Sherloc (09022015). Collection method: clinical testing. Allele origin: germline.
Comment: For these reasons, this variant has been classified as Pathogenic. This variant has not been reported in the literature in individuals with DNAAF5-related conditions. This variant is present in population databases (rs756233808, ExAC 0.004%). This sequence change creates a premature translational stop signal (p.Gln315*) in the DNAAF5 gene. It is expected to result in an absent or disrupted protein product. Loss-of-function variants in DNAAF5 are known to be pathogenic (PMID: 24307375, 25232951).

Literature cited by the submitters: PubMed 24307375; PubMed 25232951.

NM_017802.4(DNAAF5):c.943C>T (p.Gln315Ter)

Gene: DNAAF5 (dynein axonemal assembly factor 5; plus strand). Cytogenetic location: 7p22.3.
Variant type: single nucleotide variant.
Coding change: c.943C>T on transcript NM_017802.4 (MANE Select); coding-DNA position 943, C replaced by T.
Protein change: p.Gln315Ter; replaces glutamine 315 with a stop codon.
Molecular consequence: nonsense. On other transcripts: non-coding transcript variant (1).
Genome position (GRCh38, 1-based): chr7:741,384, C>T. VCF-style: chr7-741384-C-T. GRCh37 (hg19) VCF-style: chr7-781021-C-T.
Other names: short protein forms Q315*.
Identifiers: ClinVar variation 1432731 (VCV001432731.6), dbSNP rs756233808, ClinGen allele CA4110543.